The following is an entry in ClinVar:

NM_017849.4(TMEM127):c.85_88dup (p.Ser30delinsThrTer)

Genes: TMEM127 (transmembrane protein 127; minus strand), LOC129934333 (ATAC-STARR-seq lymphoblastoid silent region 11759; plus strand). Cytogenetic location: 2q11.2.
Variant type: Duplication.
Coding change: c.85_88dup on transcript NM_017849.4 (MANE Select); coding-DNA positions 85 to 88, 4 bases duplicated (CGTA; older notation c.85_88dupCGTA).
Protein change: p.Ser30delinsThrTer.
Molecular consequence: nonsense. On other transcripts: intron variant (1).
Genome position (GRCh38, 1-based): chr2:96,265,294-96,265,297, TACG duplicated on the plus strand (CGTA on the coding strand, the reverse complement: TMEM127 is on the minus strand). VCF-style (leftmost placement, unchanged base first): chr2-96265293-C-CTACG. GRCh37 (hg19) VCF-style: chr2-96931031-C-CTACG.
Other names: c.85_88dup, p.Ser30delinsThrTer (NM_001193304.3); c.-9+572_-9+575dup (NM_001407283.1).
Identifiers: ClinVar variation 4856747 (VCV004856747.1).

ClinVar aggregate classification (germline): Pathogenic (1 of 4 stars; one submission).

Conditions:
Hereditary pheochromocytoma and paraganglioma. Also called: Hereditary Paraganglioma-Pheochromocytoma Syndromes; Hereditary paragangliomas and pheochromocytomas; Hereditary pheochromocytoma-paraganglioma. Identifiers: Orphanet 29072, MedGen C4274332, MONDO:0017366.

Submission:

Myriad Genetics, Inc.
Classification: Pathogenic for Hereditary pheochromocytoma and paraganglioma. Last evaluated: 2026-02-20. Review status: criteria provided, single submitter. Criteria: Myriad Autosomal Dominant, Autosomal Recessive and X-Linked Classification Criteria (2023). Collection method: clinical testing. Allele origin: unknown.
Comment: This variant is considered pathogenic. This variant creates a frameshift predicted to result in premature protein truncation.